The following is an entry in ClinVar:

NM_001365951.3(KIF1B):c.1129A>T (p.Thr377Ser)

Gene: KIF1B (kinesin family member 1B; plus strand). Cytogenetic location: 1p36.22.
Variant type: single nucleotide variant.
Coding change: c.1129A>T on transcript NM_001365951.3 (MANE Select); coding-DNA position 1129, A replaced by T.
Protein change: p.Thr377Ser; replaces threonine 377 with serine.
Molecular consequence: missense variant.
Genome position (GRCh38, 1-based): chr1:10,278,077, A>T. VCF-style: chr1-10278077-A-T. GRCh37 (hg19) VCF-style: chr1-10338135-A-T.
Other names: c.1129A>T, p.Thr377Ser (NM_001365952.1); c.1111A>T, p.Thr371Ser (NM_001365953.1, NM_015074.3, NM_183416.4); short protein forms T371S, T377S.
Identifiers: ClinVar variation 4858821 (VCV004858821.1).

ClinVar aggregate classification (germline): Uncertain significance (1 of 4 stars; one submission).

Submission:

Ambry Genetics
Classification: Uncertain significance. Last evaluated: 2026-03-23. Review status: criteria provided, single submitter. Criteria: Ambry Variant Classification Scheme 2023. Collection method: clinical testing. Allele origin: germline.
Comment: The p.T371S variant (also known as c.1111A>T), located in coding exon 11 of the KIF1B gene, results from an A to T substitution at nucleotide position 1111. The threonine at codon 371 is replaced by serine, an amino acid with similar properties. This amino acid position is conserved. In addition, this alteration is predicted to be tolerated by in silico analysis. Based on the available evidence, the clinical significance of this variant remains unclear.